The following is an entry in ClinVar:

ClinVar aggregate classification (germline): Benign. Review status: criteria provided, multiple submitters, no conflicts (2 of 4 stars). 9 submissions from 9 submitters: Benign (7). 2 of the submissions do not count toward it. Last evaluated 2026-02-04.

Conditions:
Donnai-Barrow syndrome. Also called: DBS/FOAR SYNDROME; FACIOOCULOACOUSTICORENAL SYNDROME. Identifiers: Orphanet 2143, MedGen C1857277, MONDO:0009104, OMIM 222448.

Allele frequency attached by ClinVar (database versions not stated): gnomAD exomes 0.53680 and 0.48013; ExAC 0.53730; gnomAD 0.54140 and 0.53578; TOPMed 0.56008; 1000 Genomes Project 0.61861; 1000 Genomes Project 30x 0.62274; ESP Exome Variant Server 0.53468.
gnomAD v4.1: 783,801 of 1,610,778 alleles (49%); highest among the groups gnomAD compares: South Asian, 74%; 198,121 homozygotes.

Submissions (9):

Labcorp Genetics (formerly Invitae), Labcorp
Classification: Benign. Last evaluated: 2026-02-04. Review status: criteria provided, single submitter. Criteria: Invitae Variant Classification Sherloc (09022015). Collection method: clinical testing. Allele origin: germline.

Blueprint Genetics
Classification: Benign. Last evaluated: 2024-11-26. Review status: criteria provided, single submitter. Criteria: ACMG Guidelines, 2015. Collection method: clinical testing. Allele origin: germline.

Genome-Nilou Lab
Classification: Benign for Donnai-Barrow syndrome. Last evaluated: 2021-08-19. Review status: criteria provided, single submitter. Criteria: ACMG Guidelines, 2015. Collection method: clinical testing. Allele origin: germline. Affected: no.

Illumina Laboratory Services, Illumina
Classification: Benign for Donnai-Barrow syndrome. Last evaluated: 2018-01-13. Review status: criteria provided, single submitter. Criteria: ICSL Variant Classification Criteria 13 December 2019. Collection method: clinical testing. Allele origin: germline.
Comment: This variant was observed in the ICSL laboratory as part of a predisposition screen in an ostensibly healthy population. It had not been previously curated by ICSL or reported in the Human Gene Mutation Database (HGMD: prior to June 1st, 2018), and was therefore a candidate for classification through an automated scoring system. Utilizing variant allele frequency, disease prevalence and penetrance estimates, and inheritance mode, an automated score was calculated to assess if this variant is too frequent to cause the disease. Based on the score and internal cut-off values, a variant classified as benign is not then subjected to further curation. The score for this variant resulted in a classification of benign for this disease.

PreventionGenetics, part of Exact Sciences
Classification: Benign. Last evaluated: 2016-04-07. Review status: criteria provided, single submitter. Criteria: ACMG Guidelines, 2015. Collection method: clinical testing. Allele origin: germline.

GeneDx
Classification: Benign. Last evaluated: 2015-03-03. Review status: criteria provided, single submitter. Criteria: GeneDx Variant Classification Process June 2021. Collection method: clinical testing. Allele origin: germline. Affected: yes.

Breakthrough Genomics
Classification: Benign. Review status: criteria provided, single submitter. Criteria: ACMG Guidelines, 2015. Collection method: not provided. Allele origin: germline. Inheritance: Autosomal recessive inheritance. Affected: yes.

Diagnostic Laboratory, Department of Genetics, University Medical Center Groningen
Classification: Benign. Review status: no assertion criteria provided. Collection method: clinical testing. Allele origin: germline. Affected: yes. Study: VKGL Data-share Consensus. Not counted in ClinVar's aggregate classification.

Joint Genome Diagnostic Labs from Nijmegen and Maastricht, Radboudumc and MUMC+
Classification: Benign. Review status: no assertion criteria provided. Collection method: clinical testing. Allele origin: germline. Affected: yes. Study: VKGL Data-share Consensus. Not counted in ClinVar's aggregate classification.

NM_004525.3(LRP2):c.3550+14C>T

Gene: LRP2 (LDL receptor related protein 2; minus strand). Cytogenetic location: 2q31.1.
Variant type: single nucleotide variant.
Coding change: c.3550+14C>T on transcript NM_004525.3 (MANE Select); 14 bases into the intron after coding-DNA position 3550, C replaced by T.
Molecular consequence: intron variant.
Genome position (GRCh38, 1-based): chr2:169,243,389, G>A on the plus strand (C>T on the coding strand, the complement: LRP2 is on the minus strand). VCF-style: chr2-169243389-G-A. GRCh37 (hg19) VCF-style: chr2-170099899-G-A.
Identifiers: ClinVar variation 259413 (VCV000259413.26), dbSNP rs2075254, ClinGen allele CA1955012.